The following is an entry in ClinVar:

ClinVar aggregate classification (germline): Uncertain significance (1 of 4 stars; one submission).

Submission:

Labcorp Genetics (formerly Invitae), Labcorp
Classification: Uncertain significance. Last evaluated: 2022-03-18. Review status: criteria provided, single submitter. Criteria: Invitae Variant Classification Sherloc (09022015). Collection method: clinical testing. Allele origin: germline.
Comment: This sequence change replaces phenylalanine, which is neutral and non-polar, with leucine, which is neutral and non-polar, at codon 278 of the DRP2 protein (p.Phe278Leu). This variant is not present in population databases (gnomAD no frequency). This variant has not been reported in the literature in individuals affected with DRP2-related conditions. Algorithms developed to predict the effect of missense changes on protein structure and function are either unavailable or do not agree on the potential impact of this missense change (SIFT: "Deleterious"; PolyPhen-2: "Possibly Damaging"; Align-GVGD: "Class C15"). In summary, the available evidence is currently insufficient to determine the role of this variant in disease. Therefore, it has been classified as a Variant of Uncertain Significance.

NM_001939.3(DRP2):c.832T>C (p.Phe278Leu)

Gene: DRP2 (dystrophin related protein 2; plus strand). Cytogenetic location: Xq22.1.
Variant type: single nucleotide variant.
Coding change: c.832T>C on transcript NM_001939.3 (MANE Select); coding-DNA position 832, T replaced by C.
Protein change: p.Phe278Leu; replaces phenylalanine 278 with leucine.
Molecular consequence: missense variant.
Genome position (GRCh38, 1-based): chrX:101,242,328, T>C. VCF-style: chrX-101242328-T-C. GRCh37 (hg19) VCF-style: chrX-100497317-T-C.
Other names: c.598T>C, p.Phe200Leu (NM_001171184.2); short protein forms F200L, F278L.
Identifiers: ClinVar variation 2113716 (VCV002113716.4), dbSNP rs369128446, ClinGen allele CA413918208.